The following is an entry in ClinVar:

NM_000186.4(CFH):c.1079A>C (p.His360Pro)

Gene: CFH (complement factor H; plus strand). Cytogenetic location: 1q31.3.
Variant type: single nucleotide variant.
Coding change: c.1079A>C on transcript NM_000186.4 (MANE Select); coding-DNA position 1079, A replaced by C.
Protein change: p.His360Pro; replaces histidine 360 with proline.
Molecular consequence: missense variant.
Genome position (GRCh38, 1-based): chr1:196,689,534, A>C. VCF-style: chr1-196689534-A-C. GRCh37 (hg19) VCF-style: chr1-196658664-A-C.
Other names: c.1079A>C, p.His360Pro (NM_001014975.3); short protein forms H360P.
Identifiers: ClinVar variation 4291359 (VCV004291359.1).
Genomic context (GRCh38, chr1:196,689,534, plus strand): 5'-TGCGTAGACCATACTTTCCAGTAGCTGTAGGAAAATATTACTCCTATTACTGTGATGAAC[A>C]TTTTGAGACTCCGTCAGGAAGTTACTGGGATCACATTCATTGCACACAAGATGGATGGTC-3'
Protein context (NP_000177.2, residues 350-370): GKYYSYYCDE[His360Pro]FETPSGSYWD

ClinVar aggregate classification (germline): Uncertain significance (1 of 4 stars; one submission).

Conditions:
Atypical hemolytic-uremic syndrome. Identifiers: Orphanet 2134, MedGen C2931788, MONDO:0016244.
Basal laminar drusen. Also called: DRUSEN OF BRUCH MEMBRANE; DRUSEN, CUTICULAR; DRUSEN, EARLY ADULT-ONSET, GROUPED. Identifiers: Orphanet 75376, MedGen C0730295, MONDO:0007472, OMIM 126700.
Factor H deficiency (CFHD). Also called: COMPLEMENT FACTOR H DEFICIENCY; CFH DEFICIENCY. Identifiers: Orphanet 200421, MedGen C0398777, MONDO:0012350, OMIM 609814.
Age related macular degeneration 4. Identifiers: MedGen C1853147, MONDO:0012540, OMIM 610698.

Submission:

Genomenon, Inc
Classification: Uncertain significance for Basal laminar drusen; Age related macular degeneration 4; Atypical hemolytic-uremic syndrome; Factor H deficiency. Last evaluated: 2025-10-02. Review status: criteria provided, single submitter. Criteria: Genomenon Sequence Variant Interpretation Standards - Updated. Collection method: curation. Allele origin: germline. Affected: no.
Comment: CFH p.His360Pro (c.1079A>C) is a missense variant that changes the amino acid at residue 360 from Histidine to Proline. This variant has been reported in the published literature (PMID:19273554;30510105). It is absent or not present at a significant frequency in gnomAD. In silico models agree that this variant is not damaging. In conclusion, we classify CFH p.His360Pro (c.1079A>C) as a variant of uncertain significance.

Literature cited by the submitters: PubMed 19273554; PubMed 30510105.